The following is an entry in ClinVar:

ClinVar aggregate classification (germline): Likely benign. Review status: criteria provided, multiple submitters, no conflicts (2 of 4 stars). 5 submissions from 5 submitters: Likely benign (4). 1 of the submissions does not count toward it. Last evaluated 2026-02-04.

Conditions:
Polyglandular autoimmune syndrome, type 1 (APS1). Also called: APS I; HYPOADRENOCORTICISM WITH HYPOPARATHYROIDISM AND SUPERFICIAL MONILIASIS; PGA I; Whitaker syndrome; AUTOIMMUNE POLYENDOCRINE SYNDROME, TYPE I, WITH OR WITHOUT REVERSIBLE METAPHYSEAL DYSPLASIA; Autoimmune polyendocrinopathy syndrome , type I, with or without reversible metaphyseal dysplasia. Identifiers: Orphanet 3453, MedGen C0085859, MONDO:0009411, OMIM 240300.

Allele frequency attached by ClinVar (database versions not stated): ExAC 0.00005; gnomAD exomes 0.00006 and 0.00008; gnomAD 0.00009 and 0.00011; TOPMed 0.00009; 1000 Genomes Project 30x 0.00016.
gnomAD v4.1: 104 of 1,612,784 alleles (0.0064%); highest among the groups gnomAD compares: Admixed American, 0.018%; no homozygotes.

Submissions (5):

Labcorp Genetics (formerly Invitae), Labcorp
Classification: Likely benign for Polyglandular autoimmune syndrome, type 1. Last evaluated: 2026-02-04. Review status: criteria provided, single submitter. Criteria: Invitae Variant Classification Sherloc (09022015). Collection method: clinical testing. Allele origin: germline.

Blueprint Genetics
Classification: Likely benign. Last evaluated: 2023-05-12. Review status: criteria provided, single submitter. Criteria: ACMG Guidelines, 2015. Collection method: clinical testing. Allele origin: germline.

CeGaT Center for Human Genetics Tuebingen
Classification: Likely benign. Last evaluated: 2022-04-01. Review status: criteria provided, single submitter. Criteria: CeGaT Center For Human Genetics Tuebingen Variant Classification Criteria Version 2. Collection method: clinical testing. Allele origin: germline. Affected: yes. Observed: 1 variant allele.
Comment: AIRE: BP4, BP7

Genome-Nilou Lab
Classification: Likely benign for Polyglandular autoimmune syndrome, type 1. Last evaluated: 2021-07-14. Review status: criteria provided, single submitter. Criteria: ACMG Guidelines, 2015. Collection method: clinical testing. Allele origin: germline. Affected: no.

Natera, Inc.
Classification: Likely benign for Polyglandular autoimmune syndrome type 1. Last evaluated: 2020-04-20. Review status: no assertion criteria provided. Collection method: clinical testing. Allele origin: germline. Not counted in ClinVar's aggregate classification.

NM_000383.4(AIRE):c.372G>A (p.Pro124=)

Gene: AIRE (autoimmune regulator; plus strand). Cytogenetic location: 21q22.3.
Variant type: single nucleotide variant.
Coding change: c.372G>A on transcript NM_000383.4 (MANE Select); coding-DNA position 372, G replaced by A.
Protein change: p.Pro124=; no amino-acid change (proline 124 retained).
Molecular consequence: synonymous variant.
Genome position (GRCh38, 1-based): chr21:44,287,042, G>A. VCF-style: chr21-44287042-G-A. GRCh37 (hg19) VCF-style: chr21-45706925-G-A.
Identifiers: ClinVar variation 715284 (VCV000715284.38), dbSNP rs775117249, ClinGen allele CA10051544.
Genomic context (GRCh38, chr21:44,287,042, plus strand): 5'-GGACCTCAGCCAGCCCCGGAAGGGGAGGAAGCCCCCGGCCGTCCCCAAGGCTTTGGTACC[G>A]CCACCCAGACTCCCCACCAAGAGGAAGGCCTCAGAAGAGGCTCGAGCTGCCGCGCCAGCA-3'
Protein context (NP_000374.1, residues 114-134): KPPAVPKALV[Pro124=]PPRLPTKRKA